The following is an entry in ClinVar:

NM_005026.5(PIK3CD):c.1438C>T (p.Pro480Ser)

Genes: PIK3CD (phosphatidylinositol-4,5-bisphosphate 3-kinase catalytic subunit delta; plus strand), LOC126805612 (MED14-independent group 3 enhancer GRCh37_chr1:9778914-9780113; plus strand). Cytogenetic location: 1p36.22.
Variant type: single nucleotide variant.
Coding change: c.1438C>T on transcript NM_005026.5 (MANE Select); coding-DNA position 1438, C replaced by T.
Protein change: p.Pro480Ser; replaces proline 480 with serine.
Molecular consequence: missense variant.
Genome position (GRCh38, 1-based): chr1:9,720,210, C>T. VCF-style: chr1-9720210-C-T. GRCh37 (hg19) VCF-style: chr1-9780268-C-T.
Other names: c.1438C>T, p.Pro480Ser (NM_001350234.2, NM_001437546.1, NM_001437547.1 and 2 more transcripts); c.1351C>T, p.Pro451Ser (NM_001350235.1); short protein forms P451S, P480S.
Identifiers: ClinVar variation 4806910 (VCV004806910.1).

ClinVar aggregate classification (germline): Uncertain significance (1 of 4 stars; one submission).

Conditions:
Immunodeficiency 14 (IMD14A). Also called: p110-DELTA-ACTIVATING MUTATION CAUSING SENESCENT T CELLS, LYMPHADENOPATHY, AND IMMUNODEFICIENCY; ACTIVATED PI3K-DELTA SYNDROME 1; Activated PI3K Delta Syndrome Type 1 (APDS1); IMMUNODEFICIENCY 14A WITH LYMPHOPROLIFERATION, AUTOSOMAL DOMINANT. Identifiers: Orphanet 397596, Orphanet 693661, MedGen C5907821, MONDO:0014222, OMIM 615513.

gnomAD v4.1: 4 of 1,610,766 alleles (0.00025%); highest among the groups gnomAD compares: Middle Eastern, 0.017%; no homozygotes.

Submission:

Labcorp Genetics (formerly Invitae), Labcorp
Classification: Uncertain significance for Activated PI3K-delta syndrome. Last evaluated: 2025-02-06. Review status: criteria provided, single submitter. Criteria: Invitae Variant Classification Sherloc (09022015). Collection method: clinical testing. Allele origin: germline.
Comment: This sequence change replaces proline, which is neutral and non-polar, with serine, which is neutral and polar, at codon 480 of the PIK3CD protein (p.Pro480Ser). This variant is present in population databases (no rsID available, gnomAD 0.0009%). This variant has not been reported in the literature in individuals affected with PIK3CD-related conditions. Invitae Evidence Modeling of protein sequence and biophysical properties (such as structural, functional, and spatial information, amino acid conservation, physicochemical variation, residue mobility, and thermodynamic stability) indicates that this missense variant is not expected to disrupt PIK3CD protein function with a negative predictive value of 80%. In summary, the available evidence is currently insufficient to determine the role of this variant in disease. Therefore, it has been classified as a Variant of Uncertain Significance.